The following is an entry in ClinVar:

ClinVar aggregate classification (germline): Pathogenic (1 of 4 stars; one submission).

Submission:

GeneDx
Classification: Pathogenic. Last evaluated: 2025-07-22. Review status: criteria provided, single submitter. Criteria: GeneDx Variant Classification Process June 2021. Collection method: clinical testing. Allele origin: germline. Affected: yes.
Comment: Not observed at significant frequency in large population cohorts (gnomAD); In silico analysis supports that this missense variant has a deleterious effect on protein structure/function; This variant is associated with the following publications: (PMID: 33057194, 37728613, 37422718, 35982159)

NC_000022.11:g.41468643T>C

Genes: PHF5A (PHD finger protein 5A; minus strand), ACO2 (aconitase 2; plus strand). Cytogenetic location: 22q13.2.
Variant type: single nucleotide variant.
Molecular consequence: missense variant (on NM_032758.4).
Genome position: GRCh38 VCF-style: chr22-41468643-T-C. GRCh37 (hg19) VCF-style: chr22-41864647-T-C.
Other names: c.11A>G, p.His4Arg (NM_032758.4); short protein forms H4R.
Identifiers: ClinVar variation 1301231 (VCV001301231.4), dbSNP rs2146067632, ClinGen allele CA411705385.